The following is an entry in ClinVar:

ClinVar aggregate classification (germline): Uncertain significance (1 of 4 stars; one submission).

Conditions:
Nephronophthisis 14 (NPHP14). Identifiers: Orphanet 2318, MedGen C3539071, MONDO:0013916, OMIM 614844.

Allele frequency attached by ClinVar (database versions not stated): ExAC 0.00001; gnomAD 0.00001; gnomAD exomes 0.00003; TOPMed 0.00003.
gnomAD v4.1: 37 of 1,612,454 alleles (0.0023%); highest among the groups gnomAD compares: Non-Finnish European, 0.0028%; no homozygotes.

Submission:

Labcorp Genetics (formerly Invitae), Labcorp
Classification: Uncertain significance for Nephronophthisis 14. Last evaluated: 2022-08-03. Review status: criteria provided, single submitter. Criteria: Invitae Variant Classification Sherloc (09022015). Collection method: clinical testing. Allele origin: germline.
Comment: In summary, the available evidence is currently insufficient to determine the role of this variant in disease. Therefore, it has been classified as a Variant of Uncertain Significance. Algorithms developed to predict the effect of missense changes on protein structure and function are either unavailable or do not agree on the potential impact of this missense change (SIFT: "Deleterious"; PolyPhen-2: "Possibly Damaging"; Align-GVGD: "Class C0"). ClinVar contains an entry for this variant (Variation ID: 1004622). This variant has not been reported in the literature in individuals affected with ZNF423-related conditions. This variant is present in population databases (rs778893500, gnomAD 0.004%). This sequence change replaces valine, which is neutral and non-polar, with methionine, which is neutral and non-polar, at codon 22 of the ZNF423 protein (p.Val22Met).

NM_001379286.1(ZNF423):c.88G>A (p.Val30Met)

Gene: ZNF423 (zinc finger protein 423; minus strand). Cytogenetic location: 16q12.1.
Variant type: single nucleotide variant.
Coding change: c.88G>A on transcript NM_001379286.1 (MANE Select); coding-DNA position 88, G replaced by A.
Protein change: p.Val30Met; replaces valine 30 with methionine.
Molecular consequence: missense variant. On other transcripts: 5 prime UTR variant (1).
Genome position (GRCh38, 1-based): chr16:49,789,499, C>T on the plus strand (G>A on the coding strand, the complement: ZNF423 is on the minus strand). VCF-style: chr16-49789499-C-T. GRCh37 (hg19) VCF-style: chr16-49823410-C-T.
Other names: c.-117G>A (NM_001271620.2); c.64G>A, p.Val22Met (NM_015069.5); short protein forms V22M, V30M.
Identifiers: ClinVar variation 1004622 (VCV001004622.7), dbSNP rs778893500, ClinGen allele CA8046977.